The following is an entry in ClinVar:

ClinVar aggregate classification (germline): Uncertain significance. Review status: criteria provided, multiple submitters, no conflicts (2 of 4 stars). 2 submissions from 2 submitters: Uncertain significance (2). Last evaluated 2025-10-25.

Conditions:
Hereditary cancer-predisposing syndrome. Also called: Neoplastic Syndromes, Hereditary; Tumor predisposition; Hereditary Cancer Syndrome; Hereditary neoplastic syndrome. Identifiers: Orphanet 140162, MedGen C0027672, MeSH D009386, MONDO:0015356.
POLD1-related polyposis and colorectal cancer syndrome (CRCS10). Also called: Colorectal cancer 10; COLORECTAL CANCER, SUSCEPTIBILITY TO, ON CHROMOSOME 19q; Colorectal cancer, susceptibility to, 10. Identifiers: Orphanet 220460, MedGen C2675481, MONDO:0012953, OMIM 612591.

Submissions (2):

Ambry Genetics
Classification: Uncertain significance for Hereditary cancer-predisposing syndrome. Last evaluated: 2025-10-25. Review status: criteria provided, single submitter. Criteria: Ambry Variant Classification Scheme 2023. Collection method: clinical testing. Allele origin: germline.
Comment: The p.V901L variant (also known as c.2701G>C), located in coding exon 20 of the POLD1 gene, results from a G to C substitution at nucleotide position 2701. The valine at codon 901 is replaced by leucine, an amino acid with highly similar properties. This amino acid position is conserved. In addition, this alteration is predicted to be tolerated by in silico analysis. Based on the available evidence, the clinical significance of this variant remains unclear.

Labcorp Genetics (formerly Invitae), Labcorp
Classification: Uncertain significance for POLD1-related polyposis and colorectal cancer syndrome. Last evaluated: 2023-04-13. Review status: criteria provided, single submitter. Criteria: Invitae Variant Classification Sherloc (09022015). Collection method: clinical testing. Allele origin: germline.
Comment: In summary, the available evidence is currently insufficient to determine the role of this variant in disease. Therefore, it has been classified as a Variant of Uncertain Significance. Advanced modeling of protein sequence and biophysical properties (such as structural, functional, and spatial information, amino acid conservation, physicochemical variation, residue mobility, and thermodynamic stability) performed at Invitae indicates that this missense variant is not expected to disrupt POLD1 protein function. This sequence change replaces valine, which is neutral and non-polar, with leucine, which is neutral and non-polar, at codon 901 of the POLD1 protein (p.Val901Leu). This variant has not been reported in the literature in individuals affected with POLD1-related conditions. This variant is not present in population databases (gnomAD no frequency).

NM_002691.4(POLD1):c.2701G>C (p.Val901Leu)

Gene: POLD1 (DNA polymerase delta 1, catalytic subunit; plus strand). Cytogenetic location: 19q13.33.
Variant type: single nucleotide variant.
Coding change: c.2701G>C on transcript NM_002691.4 (MANE Select); coding-DNA position 2701, G replaced by C.
Protein change: p.Val901Leu; replaces valine 901 with leucine.
Molecular consequence: missense variant. On other transcripts: non-coding transcript variant (1).
Genome position (GRCh38, 1-based): chr19:50,415,574, G>C. VCF-style: chr19-50415574-G-C. GRCh37 (hg19) VCF-style: chr19-50918831-G-C.
Other names: c.2701G>C, p.Val901Leu (NM_001256849.1); c.2779G>C, p.Val927Leu (NM_001308632.1); c.2701G>C (NM_002691.2); short protein forms V927L, V901L.
Identifiers: ClinVar variation 2855790 (VCV002855790.4), dbSNP rs2039250690, ClinGen allele CA406985695.